The following is an entry in ClinVar:

ClinVar aggregate classification (germline): Conflicting classifications of pathogenicity. Review status: criteria provided, conflicting classifications (1 of 4 stars). 3 submissions from 3 submitters: Likely pathogenic (1); Uncertain significance (1); Likely benign (1). Last evaluated 2023-11-27.

Conditions:
Stickler syndrome type 1 (STL1). Also called: ARTHROOPHTHALMOPATHY, HEREDITARY PROGRESSIVE; COL2A1-Related Stickler Syndrome; STICKLER SYNDROME, MEMBRANOUS VITREOUS TYPE; STICKLER SYNDROME, VITREOUS TYPE 1. Identifiers: Orphanet 828, Orphanet 90653, MedGen C2020284, MONDO:0007160, OMIM 108300.
Spondyloepiphyseal dysplasia congenita (SEDC). Also called: SED CONGENITA; SPONDYLOEPIPHYSEAL DYSPLASIA, CONGENITAL TYPE. Identifiers: Orphanet 94068, MedGen C2745959, MONDO:0008471, OMIM 183900.

Allele frequency attached by ClinVar (database versions not stated): gnomAD exomes 0.00001.

Submissions (3):

Division of Medical Genetics, Department of Pediatrics, All India Institute of Medical Sciences, New Delhi
Classification: Likely pathogenic for Spondyloepiphyseal dysplasia congenita. Last evaluated: 2023-11-27. Review status: criteria provided, single submitter. Criteria: ACMG Guidelines, 2015. Collection method: research. Allele origin: unknown. Inheritance: Autosomal dominant inheritance. Affected: yes.

Labcorp Genetics (formerly Invitae), Labcorp
Classification: Likely benign. Last evaluated: 2022-12-02. Review status: criteria provided, single submitter. Criteria: Invitae Variant Classification Sherloc (09022015). Collection method: clinical testing. Allele origin: germline.

Neuberg Centre For Genomic Medicine, NCGM
Classification: Uncertain significance for Stickler syndrome type 1. Review status: criteria provided, single submitter. Criteria: ACMG Guidelines, 2015. Collection method: clinical testing. Allele origin: germline. Inheritance: Autosomal dominant inheritance. Affected: yes.
Comment: The missense variant c.1513C>T (p.Pro505Ser) in COL2A1 gene has not been reported previously as a pathogenic variant nor as a benign variant, to our knowledge. This variant is reported with the allele frequency (0.002%) in the gnomad and novel in 1000 genome database. The amino acid Proline at position 505 is changed to a Serine changing protein sequence and it might alter its composition and physico-chemical properties. The variant is predicted to be damaging by PolyPhen2. The residue is conserved across species. For these reasons, this variant has been classified as Uncertain Significance.

NM_001844.5(COL2A1):c.1513C>T (p.Pro505Ser)

Gene: COL2A1 (collagen type II alpha 1 chain; minus strand). Cytogenetic location: 12q13.11.
Variant type: single nucleotide variant.
Coding change: c.1513C>T on transcript NM_001844.5 (MANE Select); coding-DNA position 1513, C replaced by T.
Protein change: p.Pro505Ser; replaces proline 505 with serine.
Molecular consequence: missense variant.
Genome position (GRCh38, 1-based): chr12:47,986,350, G>A on the plus strand (C>T on the coding strand, the complement: COL2A1 is on the minus strand). VCF-style: chr12-47986350-G-A. GRCh37 (hg19) VCF-style: chr12-48380133-G-A.
Other names: c.1306C>T, p.Pro436Ser (NM_033150.3); short protein forms P505S, P436S.
Identifiers: ClinVar variation 1422585 (VCV001422585.7), dbSNP rs865903887, ClinGen allele CA236527633.